The following is an entry in ClinVar:

NM_004370.6(COL12A1):c.3835+18G>A

Gene: COL12A1 (collagen type XII alpha 1 chain; minus strand). Cytogenetic location: 6q13.
Variant type: single nucleotide variant.
Coding change: c.3835+18G>A on transcript NM_004370.6 (MANE Select); 18 bases into the intron after coding-DNA position 3835, G replaced by A.
Molecular consequence: intron variant.
Genome position (GRCh38, 1-based): chr6:75,152,113, C>T on the plus strand (G>A on the coding strand, the complement: COL12A1 is on the minus strand). VCF-style: chr6-75152113-C-T. GRCh37 (hg19) VCF-style: chr6-75861829-C-T.
Other names: c.343+18G>A (NM_080645.3).
Identifiers: ClinVar variation 2063253 (VCV002063253.5), dbSNP rs1461703629, ClinGen allele CA828089583.

ClinVar aggregate classification (germline): Likely benign. Review status: criteria provided, multiple submitters, no conflicts (2 of 4 stars). 2 submissions from 2 submitters: Likely benign (2). Last evaluated 2025-10-23.

Conditions:
Bethlem myopathy 2 (BTHLM2). Identifiers: Orphanet 536516, Orphanet 610, MedGen C4225313, MONDO:0034022, OMIM 616471.
Ullrich congenital muscular dystrophy 2 (UCMD2). Identifiers: Orphanet 75840, MedGen C4225314, MONDO:0014654, OMIM 616470.

Allele frequency attached by ClinVar (database versions not stated): gnomAD exomes 0.00001; TOPMed 0.00001.
gnomAD v4.1: 14 of 1,613,776 alleles (0.00087%); highest among the groups gnomAD compares: Non-Finnish European, 0.0012%; no homozygotes.

Submissions (2):

Women's Health and Genetics/Laboratory Corporation of America, LabCorp
Classification: Likely benign. Last evaluated: 2025-10-23. Review status: criteria provided, single submitter. Criteria: LabCorp Variant Classification Summary - May 2015. Collection method: clinical testing. Allele origin: germline.
Comment: Variant summary: COL12A1 c.3835+18G>A alters a nucleotide located at a position not widely known to affect splicing. Consensus agreement among computation tools predict no significant impact on normal splicing. However, these predictions have yet to be confirmed by functional studies. The variant allele was found at a frequency of 4e-06 in 248854 control chromosomes. The available data on variant occurrences in the general population are insufficient to allow any conclusion about variant significance. To our knowledge, no occurrence of c.3835+18G>A in individuals affected with COL12A1-related conditions and no experimental evidence demonstrating its impact on protein function have been reported. ClinVar contains an entry for this variant (Variation ID: 2063253). Based on the evidence outlined above, the variant was classified as likely benign.

Labcorp Genetics (formerly Invitae), Labcorp
Classification: Likely benign for Bethlem myopathy 2; Ullrich congenital muscular dystrophy 2. Last evaluated: 2022-11-08. Review status: criteria provided, single submitter. Criteria: Invitae Variant Classification Sherloc (09022015). Collection method: clinical testing. Allele origin: germline.